The following is an entry in ClinVar:

ClinVar aggregate classification (germline): Likely pathogenic. Review status: criteria provided, multiple submitters, no conflicts (2 of 4 stars). 2 submissions from 2 submitters: Likely pathogenic (2). Last evaluated 2024-06-16.

Conditions:
Joubert syndrome. Also called: CEREBELLOPARENCHYMAL DISORDER IV; JOUBERT-BOLTSHAUSER SYNDROME; Familial aplasia of the vermis. Identifiers: Orphanet 475, MedGen C5979921, MONDO:0018772.
Joubert syndrome 3 (JBTS3). Also called: AHI1-related Ciliopathy. Identifiers: Orphanet 220493, MedGen C1837713, MONDO:0012078, OMIM 608629.

gnomAD v4.1: 1 of 1,613,652 alleles (0.000062%); highest among the groups gnomAD compares: East Asian, 0.0022%; no homozygotes.

Submissions (2):

Fulgent Genetics
Classification: Likely pathogenic for Joubert syndrome 3. Last evaluated: 2024-06-16. Review status: criteria provided, single submitter. Criteria: ACMG Guidelines, 2015. Collection method: clinical testing. Allele origin: germline.

Labcorp Genetics (formerly Invitae), Labcorp
Classification: Likely pathogenic for Joubert syndrome. Last evaluated: 2024-01-03. Review status: criteria provided, single submitter. Criteria: Invitae Variant Classification Sherloc (09022015). Collection method: clinical testing. Allele origin: germline.
Comment: This sequence change affects an acceptor splice site in intron 26 of the AHI1 gene. It is expected to disrupt RNA splicing. Variants that disrupt the donor or acceptor splice site typically lead to a loss of protein function (PMID: 16199547), and loss-of-function variants in AHI1 are known to be pathogenic (PMID: 15322546, 16453322, 28442542, 29186038). This variant is present in population databases (no rsID available, gnomAD 0.006%). Disruption of this splice site has been observed in individual(s) with clinical features of retinitis pigmentosa (PMID: 31054281). Algorithms developed to predict the effect of sequence changes on RNA splicing suggest that this variant may disrupt the consensus splice site. In summary, the currently available evidence indicates that the variant is pathogenic, but additional data are needed to prove that conclusively. Therefore, this variant has been classified as Likely Pathogenic.

Literature cited by the submitters: PubMed 16199547 (cited by Labcorp Genetics (formerly Invitae), Labcorp); PubMed 15322546 (cited by Labcorp Genetics (formerly Invitae), Labcorp); PubMed 16453322 (cited by Labcorp Genetics (formerly Invitae), Labcorp); PubMed 28442542 (cited by Labcorp Genetics (formerly Invitae), Labcorp); PubMed 29186038 (cited by Labcorp Genetics (formerly Invitae), Labcorp); PubMed 31054281 (cited by Labcorp Genetics (formerly Invitae), Labcorp).

NM_001134831.2(AHI1):c.3486-2A>T

Gene: AHI1 (Abelson helper integration site 1; minus strand). Cytogenetic location: 6q23.3.
Variant type: single nucleotide variant.
Coding change: c.3486-2A>T on transcript NM_001134831.2 (MANE Select); the canonical splice acceptor site of the intron before coding-DNA position 3486, A replaced by T.
Molecular consequence: splice acceptor variant. On other transcripts: intron variant (1).
Genome position (GRCh38, 1-based): chr6:135,290,527, T>A on the plus strand (A>T on the coding strand, the complement: AHI1 is on the minus strand). VCF-style: chr6-135290527-T-A. GRCh37 (hg19) VCF-style: chr6-135611665-T-A.
Other names: c.3486-2A>T (NM_017651.4, NM_001134830.2, NM_001350503.2 and 1 more transcripts); c.3486-4880A>T (NM_001350504.2).
Identifiers: ClinVar variation 2971515 (VCV002971515.4), dbSNP rs1412515128, ClinGen allele CA365840991.